The following is an entry in ClinVar:

ClinVar aggregate classification (germline): Uncertain significance (1 of 4 stars; one submission).

Allele frequency attached by ClinVar (database versions not stated): gnomAD exomes below 0.00001; TOPMed 0.00001.

Submission:

Labcorp Genetics (formerly Invitae), Labcorp
Classification: Uncertain significance. Last evaluated: 2022-02-17. Review status: criteria provided, single submitter. Criteria: Invitae Variant Classification Sherloc (09022015). Collection method: clinical testing. Allele origin: germline.
Comment: This sequence change replaces proline, which is neutral and non-polar, with leucine, which is neutral and non-polar, at codon 341 of the GATA5 protein (p.Pro341Leu). This variant is not present in population databases (gnomAD no frequency). This variant has not been reported in the literature in individuals affected with GATA5-related conditions. Algorithms developed to predict the effect of missense changes on protein structure and function (SIFT, PolyPhen-2, Align-GVGD) all suggest that this variant is likely to be tolerated. In summary, the available evidence is currently insufficient to determine the role of this variant in disease. Therefore, it has been classified as a Variant of Uncertain Significance.

NM_080473.5(GATA5):c.1022C>T (p.Pro341Leu)

Gene: GATA5 (GATA binding protein 5; minus strand). Cytogenetic location: 20q13.33.
Variant type: single nucleotide variant.
Coding change: c.1022C>T on transcript NM_080473.5 (MANE Select); coding-DNA position 1022, C replaced by T.
Protein change: p.Pro341Leu; replaces proline 341 with leucine.
Molecular consequence: missense variant.
Genome position (GRCh38, 1-based): chr20:62,465,356, G>A on the plus strand (C>T on the coding strand, the complement: GATA5 is on the minus strand). VCF-style: chr20-62465356-G-A. GRCh37 (hg19) VCF-style: chr20-61040412-G-A.
Other names: short protein forms P341L.
Identifiers: ClinVar variation 1950342 (VCV001950342.5), dbSNP rs1989555840, ClinGen allele CA409552186.